The following is an entry in ClinVar:

ClinVar aggregate classification (germline): Uncertain significance (1 of 4 stars; one submission).

Conditions:
Inflammatory bowel disease 28. Also called: Inflammatory bowel disease 28, early onset, autosomal recessive. Identifiers: Orphanet 238569, MedGen C2751053, MONDO:0013153, OMIM 613148.

Allele frequency attached by ClinVar (database versions not stated): gnomAD 0.00001; gnomAD exomes 0.00001 and 0.00002; TOPMed 0.00001; ExAC 0.00002; 1000 Genomes Project 0.00040; 1000 Genomes Project 30x 0.00047.
gnomAD v4.1: 8 of 1,614,188 alleles (0.0005%); highest among the groups gnomAD compares: Admixed American, 0.013%; no homozygotes.

Submission:

Labcorp Genetics (formerly Invitae), Labcorp
Classification: Uncertain significance for Inflammatory bowel disease 28. Last evaluated: 2024-06-20. Review status: criteria provided, single submitter. Criteria: Invitae Variant Classification Sherloc (09022015). Collection method: clinical testing. Allele origin: germline.
Comment: This sequence change replaces phenylalanine, which is neutral and non-polar, with leucine, which is neutral and non-polar, at codon 38 of the IL10RA protein (p.Phe38Leu). This variant is present in population databases (rs200175106, gnomAD 0.01%). This variant has not been reported in the literature in individuals affected with IL10RA-related conditions. ClinVar contains an entry for this variant (Variation ID: 835454). Advanced modeling of protein sequence and biophysical properties (such as structural, functional, and spatial information, amino acid conservation, physicochemical variation, residue mobility, and thermodynamic stability) performed at Invitae indicates that this missense variant is not expected to disrupt IL10RA protein function with a negative predictive value of 80%. In summary, the available evidence is currently insufficient to determine the role of this variant in disease. Therefore, it has been classified as a Variant of Uncertain Significance.

NM_001558.4(IL10RA):c.114T>A (p.Phe38Leu)

Gene: IL10RA (interleukin 10 receptor subunit alpha; plus strand). Cytogenetic location: 11q23.3.
Variant type: single nucleotide variant.
Coding change: c.114T>A on transcript NM_001558.4 (MANE Select); coding-DNA position 114, T replaced by A.
Protein change: p.Phe38Leu; replaces phenylalanine 38 with leucine.
Molecular consequence: missense variant. On other transcripts: non-coding transcript variant (1).
Genome position (GRCh38, 1-based): chr11:117,988,428, T>A. VCF-style: chr11-117988428-T-A. GRCh37 (hg19) VCF-style: chr11-117859143-T-A.
Other names: short protein forms F38L.
Identifiers: ClinVar variation 835454 (VCV000835454.8), dbSNP rs200175106, ClinGen allele CA6298836.